The following is an entry in ClinVar:

ClinVar aggregate classification (germline): Benign/Likely benign. Review status: criteria provided, multiple submitters, no conflicts (2 of 4 stars). 7 submissions from 6 submitters: Benign (3); Likely benign (3). 1 of the submissions does not count toward it. Last evaluated 2026-01-21.

Conditions:
NOTCH1-related disorder. Also called: NOTCH1-related condition; NOTCH1-related disorders.
Familial thoracic aortic aneurysm and aortic dissection (TAAD). Also called: Thoracic aortic aneurysms and dissections. Identifiers: Orphanet 91387, MedGen C4707243, MONDO:0019625.
Aortic valve disease 1 (AOVD1). Identifiers: MedGen C3887892, MONDO:0024523, OMIM 109730.
Adams-Oliver syndrome 5 (AOS5). Identifiers: Orphanet 974, MedGen C4014970, MONDO:0014459, OMIM 616028.

Allele frequency attached by ClinVar (database versions not stated): ExAC 0.00013; gnomAD exomes 0.00015; 1000 Genomes Project 30x 0.00016; 1000 Genomes Project 0.00020; gnomAD 0.00044 and 0.00047; TOPMed 0.00060; ESP Exome Variant Server 0.00088.
gnomAD v4.1: 143 of 1,612,478 alleles (0.0089%); highest among the groups gnomAD compares: African/African-American, 0.16%; no homozygotes.

Submissions (7):

Labcorp Genetics (formerly Invitae), Labcorp
Classification: Benign for Adams-Oliver syndrome 5. Last evaluated: 2026-01-21. Review status: criteria provided, single submitter. Criteria: Invitae Variant Classification Sherloc (09022015). Collection method: clinical testing. Allele origin: germline.

Genome-Nilou Lab
Classification: Benign for Adams-Oliver syndrome 5. Last evaluated: 2022-03-15. Review status: criteria provided, single submitter. Criteria: ACMG Guidelines, 2015. Collection method: clinical testing. Allele origin: germline. Affected: no.

Genome-Nilou Lab
Classification: Benign for Aortic valve disease 1. Last evaluated: 2022-03-15. Review status: criteria provided, single submitter. Criteria: ACMG Guidelines, 2015. Collection method: clinical testing. Allele origin: germline. Affected: no.

Ambry Genetics
Classification: Likely benign for Familial thoracic aortic aneurysm and aortic dissection. Last evaluated: 2022-03-12. Review status: criteria provided, single submitter. Criteria: Ambry Variant Classification Scheme 2023. Collection method: clinical testing. Allele origin: germline.

Blueprint Genetics
Classification: Likely benign. Last evaluated: 2021-09-07. Review status: criteria provided, single submitter. Criteria: ACMG Guidelines, 2015. Collection method: clinical testing. Allele origin: germline.

GeneDx
Classification: Likely benign. Last evaluated: 2020-08-26. Review status: criteria provided, single submitter. Criteria: GeneDx Variant Classification Process June 2021. Collection method: clinical testing. Allele origin: germline. Affected: yes.

PreventionGenetics, part of Exact Sciences
Classification: Likely benign for NOTCH1-related condition. Last evaluated: 2023-12-26. Review status: no assertion criteria provided. Collection method: clinical testing. Allele origin: germline. Not counted in ClinVar's aggregate classification.
Comment: This variant is classified as likely benign based on ACMG/AMP sequence variant interpretation guidelines (Richards et al. 2015 PMID: 25741868, with internal and published modifications).

NM_017617.5(NOTCH1):c.2505C>A (p.Pro835=)

Gene: NOTCH1 (notch receptor 1; minus strand). Cytogenetic location: 9q34.3.
Variant type: single nucleotide variant.
Coding change: c.2505C>A on transcript NM_017617.5 (MANE Select); coding-DNA position 2505, C replaced by A.
Protein change: p.Pro835=; no amino-acid change (proline 835 retained).
Molecular consequence: synonymous variant.
Genome position (GRCh38, 1-based): chr9:136,511,234, G>T on the plus strand (C>A on the coding strand, the complement: NOTCH1 is on the minus strand). VCF-style: chr9-136511234-G-T. GRCh37 (hg19) VCF-style: chr9-139405686-G-T.
Other names: c.2505C>A, p.Pro835= (LRG_1122t1); c.2505C>A (NM_017617.4).
Identifiers: ClinVar variation 477900 (VCV000477900.21), dbSNP rs111756273, ClinGen allele CA5341285.
Genomic context (GRCh38, chr9:136,511,234, plus strand): 5'-ACAGGAGAAGCTCTCATAGTCCTCGGATTGCCTGCACTCCCCGCCGTTTCTGCAGGGGCT[G>T]GGGGCACACGGGGCCAGCACCACCTCACACGTGGCACCTGCGGGAAGGAGACACACGTGA-3'
Protein context (NP_060087.3, residues 825-845): TCEVVLAPCA[Pro835=]SPCRNGGECR